The following is an entry in ClinVar:

ClinVar aggregate classification (germline): Pathogenic (1 of 4 stars; one submission).

Conditions:
Holt-Oram syndrome (HOS). Also called: TBX5-Related Holt-Oram Syndrome; Ventriculo-radial syndrome; Cardiac-limb syndrome; Heart-hand syndrome, type 1. Identifiers: Orphanet 392, MedGen C0265264, MONDO:0007732, OMIM 142900.

Submission:

Larsen Research Group, University of Copenhagen
Classification: Pathogenic for Holt-Oram syndrome. Last evaluated: 2023-07-25. Review status: criteria provided, single submitter. Criteria: ACMG Guidelines, 2015. Collection method: research. Allele origin: germline. Inheritance: Autosomal dominant inheritance. Affected: yes. Observed: 10 variant alleles, 10 heterozygotes. Clinical features observed: Atrial septal defect (HP:0001631).
Comment: The variant was classified as “Pathogenic” according to ACMG guidelines (PP1-strong evidence, PM1-moderate evidence, PM2-supportive evidence, PP3-strong evidence, PP4-supportive evidence). The variant is not present in gnomAD or 1000GP. The variant is predicted damaging by in-silico algorithms (CADD score=28.9, MPC score=1.99, MVP score=0.96, REVEL score=0.938) and segregates with disease in an autosomal dominant pattern in three generations, affecting 10 family members investigated

NM_181486.4(TBX5):c.694T>C (p.Phe232Leu)

Gene: TBX5 (T-box transcription factor 5; minus strand). Cytogenetic location: 12q24.21.
Variant type: single nucleotide variant.
Coding change: c.694T>C on transcript NM_181486.4 (MANE Select); coding-DNA position 694, T replaced by C.
Protein change: p.Phe232Leu; replaces phenylalanine 232 with leucine.
Molecular consequence: missense variant.
Genome position (GRCh38, 1-based): chr12:114,385,537, A>G on the plus strand (T>C on the coding strand, the complement: TBX5 is on the minus strand). VCF-style: chr12-114385537-A-G. GRCh37 (hg19) VCF-style: chr12-114823342-A-G.
Other names: c.694T>C, p.Phe232Leu (NM_000192.3); c.544T>C, p.Phe182Leu (NM_080717.4); short protein forms F182L, F232L.
Identifiers: ClinVar variation 2573991 (VCV002573991.3), dbSNP rs1565935405, ClinGen allele CA386859744.